The following is an entry in ClinVar:

ClinVar aggregate classification (germline): Likely benign. Review status: criteria provided, single submitter (1 of 4 stars). 2 submissions from 2 submitters: Likely benign (1). 1 of the submissions does not count toward it. Last evaluated 2023-10-13.

Conditions:
Meckel-Gruber syndrome. Also called: Dysencephalia splachnocystica; DYSENCEPHALIA SPLANCHNOCYSTICA; GRUBER SYNDROME. Identifiers: Orphanet 564, MedGen C0265215, MONDO:0018921.
Joubert syndrome. Also called: JOUBERT-BOLTSHAUSER SYNDROME; Familial aplasia of the vermis. Identifiers: Orphanet 475, MedGen C5979921, MONDO:0018772.
MKS1-related disorder. Also called: MKS1-related condition; MKS1-related disorders. Identifiers: MedGen CN239382.

gnomAD v4.1: 21 of 1,613,474 alleles (0.0013%); highest among the groups gnomAD compares: Non-Finnish European, 0.0017%; no homozygotes.

Submissions (2):

Labcorp Genetics (formerly Invitae), Labcorp
Classification: Likely benign for Joubert syndrome; Meckel-Gruber syndrome. Last evaluated: 2023-10-13. Review status: criteria provided, single submitter. Criteria: Invitae Variant Classification Sherloc (09022015). Collection method: clinical testing. Allele origin: germline.

PreventionGenetics, part of Exact Sciences
Classification: Likely benign for MKS1-related condition. Last evaluated: 2019-12-04. Review status: no assertion criteria provided. Collection method: clinical testing. Allele origin: germline. Not counted in ClinVar's aggregate classification.
Comment: This variant is classified as likely benign based on ACMG/AMP sequence variant interpretation guidelines (Richards et al. 2015 PMID: 25741868, with internal and published modifications).

NM_017777.4(MKS1):c.1176G>T (p.Pro392=)

Gene: MKS1 (MKS transition zone complex subunit 1; minus strand). Cytogenetic location: 17q22.
Variant type: single nucleotide variant.
Coding change: c.1176G>T on transcript NM_017777.4 (MANE Select); coding-DNA position 1176, G replaced by T.
Protein change: p.Pro392=; no amino-acid change (proline 392 retained).
Molecular consequence: synonymous variant.
Genome position (GRCh38, 1-based): chr17:58,207,991, C>A on the plus strand (G>T on the coding strand, the complement: MKS1 is on the minus strand). VCF-style: chr17-58207991-C-A. GRCh37 (hg19) VCF-style: chr17-56285352-C-A.
Other names: c.567G>T, p.Pro189= (NM_001321268.2); c.1176G>T, p.Pro392= (NM_001321269.2, NM_001330397.2); c.1176G>T (NM_017777.3).
Identifiers: ClinVar variation 1547500 (VCV001547500.9), dbSNP rs775169308, ClinGen allele CA8669235.